The following is an entry in ClinVar:

NM_000222.3(KIT):c.31C>T (p.Leu11Phe)

Gene: KIT (KIT proto-oncogene, receptor tyrosine kinase; plus strand). Cytogenetic location: 4q12.
Variant type: single nucleotide variant.
Coding change: c.31C>T on transcript NM_000222.3 (MANE Select); coding-DNA position 31, C replaced by T.
Protein change: p.Leu11Phe; replaces leucine 11 with phenylalanine.
Molecular consequence: missense variant.
Genome position (GRCh38, 1-based): chr4:54,658,045, C>T. VCF-style: chr4-54658045-C-T. GRCh37 (hg19) VCF-style: chr4-55524212-C-T.
Other names: c.31C>T, p.Leu11Phe (NM_001093772.2, NM_001385284.1, NM_001385285.1 and 4 more transcripts); short protein forms L11F.
Identifiers: ClinVar variation 949557 (VCV000949557.12), dbSNP rs934366239, ClinGen allele CA96859694.

ClinVar aggregate classification (germline): Uncertain significance. Review status: criteria provided, multiple submitters, no conflicts (2 of 4 stars). 3 submissions from 3 submitters: Uncertain significance (3). Last evaluated 2025-09-22.

Conditions:
Gastrointestinal stromal tumor. Also called: Gastrointestinal stromal tumor, somatic; Gastrointestinal stroma tumor. Identifiers: Orphanet 44890, MedGen C0238198, MeSH D046152, MONDO:0011719, OMIM 606764, HP:0100723.
Hereditary cancer-predisposing syndrome. Also called: Hereditary neoplastic syndrome; Neoplastic Syndromes, Hereditary; Hereditary Cancer Syndrome; Tumor predisposition. Identifiers: Orphanet 140162, MedGen C0027672, MeSH D009386, MONDO:0015356.

Allele frequency attached by ClinVar (database versions not stated): gnomAD exomes below 0.00001.
gnomAD v4.1: 1 of 1,613,836 alleles (0.000062%); highest among the groups gnomAD compares: Admixed American, 0.0017%; no homozygotes.

Submissions (3):

Labcorp Genetics (formerly Invitae), Labcorp
Classification: Uncertain significance for Gastrointestinal stromal tumor. Last evaluated: 2025-09-22. Review status: criteria provided, single submitter. Criteria: Invitae Variant Classification Sherloc (09022015). Collection method: clinical testing. Allele origin: germline.
Comment: This sequence change replaces leucine, which is neutral and non-polar, with phenylalanine, which is neutral and non-polar, at codon 11 of the KIT protein (p.Leu11Phe). This variant is not present in population databases (gnomAD no frequency). This variant has not been reported in the literature in individuals affected with KIT-related conditions. ClinVar contains an entry for this variant (Variation ID: 949557). An algorithm developed to predict the effect of missense changes on protein structure and function (PolyPhen-2) suggests that this variant is likely to be disruptive. In summary, the available evidence is currently insufficient to determine the role of this variant in disease. Therefore, it has been classified as a Variant of Uncertain Significance.

Ambry Genetics
Classification: Uncertain significance for Hereditary cancer-predisposing syndrome. Last evaluated: 2024-09-23. Review status: criteria provided, single submitter. Criteria: Ambry Variant Classification Scheme 2023. Collection method: clinical testing. Allele origin: germline.
Comment: The p.L11F variant (also known as c.31C>T), located in coding exon 1 of the KIT gene, results from a C to T substitution at nucleotide position 31. The leucine at codon 11 is replaced by phenylalanine, an amino acid with highly similar properties. This amino acid position is highly conserved in available vertebrate species. In addition, this alteration is predicted to be tolerated by in silico analysis. Since supporting evidence is limited at this time, the clinical significance of this alteration remains unclear.

GeneDx
Classification: Uncertain significance. Last evaluated: 2024-06-17. Review status: criteria provided, single submitter. Criteria: GeneDx Variant Classification Process June 2021. Collection method: clinical testing. Allele origin: germline. Affected: yes.
Comment: Not observed at significant frequency in large population cohorts (gnomAD); In silico analysis indicates that this missense variant does not alter protein structure/function; Has not been previously published as pathogenic or benign to our knowledge